The following is an entry in ClinVar:

ClinVar aggregate classification (germline): Uncertain significance (1 of 4 stars; one submission).

Allele frequency attached by ClinVar (database versions not stated): gnomAD exomes below 0.00001.
gnomAD v4.1: 1 of 1,614,180 alleles (0.000062%); highest among the groups gnomAD compares: Non-Finnish European, 0.000085%; no homozygotes.

Submission:

Labcorp Genetics (formerly Invitae), Labcorp
Classification: Uncertain significance. Last evaluated: 2025-08-11. Review status: criteria provided, single submitter. Criteria: Invitae Variant Classification Sherloc (09022015). Collection method: clinical testing. Allele origin: germline.
Comment: This sequence change replaces isoleucine, which is neutral and non-polar, with serine, which is neutral and polar, at codon 507 of the SIAE protein (p.Ile507Ser). This variant is not present in population databases (gnomAD no frequency). This variant has not been reported in the literature in individuals affected with SIAE-related conditions. ClinVar contains an entry for this variant (Variation ID: 2707400). An algorithm developed to predict the effect of missense changes on protein structure and function (PolyPhen-2) suggests that this variant is likely to be tolerated. In summary, the available evidence is currently insufficient to determine the role of this variant in disease. Therefore, it has been classified as a Variant of Uncertain Significance.

NM_170601.5(SIAE):c.1520T>G (p.Ile507Ser)

Gene: SIAE (sialic acid acetylesterase; minus strand). Cytogenetic location: 11q24.2.
Variant type: single nucleotide variant.
Coding change: c.1520T>G on transcript NM_170601.5 (MANE Select); coding-DNA position 1520, T replaced by G.
Protein change: p.Ile507Ser; replaces isoleucine 507 with serine.
Molecular consequence: missense variant.
Genome position (GRCh38, 1-based): chr11:124,637,003, A>C on the plus strand (T>G on the coding strand, the complement: SIAE is on the minus strand). VCF-style: chr11-124637003-A-C. GRCh37 (hg19) VCF-style: chr11-124506899-A-C.
Other names: c.1415T>G, p.Ile472Ser (NM_001199922.2); short protein forms I507S, I472S.
Identifiers: ClinVar variation 2707400 (VCV002707400.3), dbSNP rs2496873857, ClinGen allele CA383141155.